The following is an entry in ClinVar:

NM_025114.4(CEP290):c.2587-1G>T

Gene: CEP290 (centrosomal protein 290; minus strand). Cytogenetic location: 12q21.32.
Variant type: single nucleotide variant.
Coding change: c.2587-1G>T on transcript NM_025114.4 (MANE Select); the canonical splice acceptor site of the intron before coding-DNA position 2587, G replaced by T.
Molecular consequence: splice acceptor variant.
Genome position (GRCh38, 1-based): chr12:88,106,906, C>A on the plus strand (G>T on the coding strand, the complement: CEP290 is on the minus strand). VCF-style: chr12-88106906-C-A. GRCh37 (hg19) VCF-style: chr12-88500683-C-A.
Identifiers: ClinVar variation 2038423 (VCV002038423.5), dbSNP rs1247861318, ClinGen allele CA385971663.

ClinVar aggregate classification (germline): Pathogenic/Likely pathogenic. Review status: criteria provided, multiple submitters, no conflicts (2 of 4 stars). 2 submissions from 2 submitters: Pathogenic (1); Likely pathogenic (1). Last evaluated 2023-01-12.

Conditions:
Joubert syndrome. Also called: CEREBELLOPARENCHYMAL DISORDER IV; JOUBERT-BOLTSHAUSER SYNDROME; Familial aplasia of the vermis. Identifiers: Orphanet 475, MedGen C5979921, MONDO:0018772.
Nephronophthisis. Also called: Juvenile Nephronophthisis. Identifiers: Orphanet 655, MedGen C0687120, MONDO:0019005, HP:0000090.
Meckel-Gruber syndrome. Also called: DYSENCEPHALIA SPLANCHNOCYSTICA; GRUBER SYNDROME; Dysencephalia splachnocystica. Identifiers: Orphanet 564, MedGen C0265215, MONDO:0018921.
Bardet-Biedl syndrome 14 (BBS14). Identifiers: Orphanet 110, MedGen C2673874, MONDO:0014442, OMIM 615991.

Allele frequency attached by ClinVar (database versions not stated): gnomAD exomes below 0.00001.
gnomAD v4.1: 1 of 1,599,328 alleles (0.000063%); highest among the groups gnomAD compares: Admixed American, 0.0017%; no homozygotes.

Submissions (2):

Baylor Genetics
Classification: Likely pathogenic for Bardet-Biedl syndrome 14. Last evaluated: 2023-01-12. Review status: criteria provided, single submitter. Criteria: ACMG Guidelines, 2015. Collection method: clinical testing. Allele origin: unknown.

Labcorp Genetics (formerly Invitae), Labcorp
Classification: Pathogenic for Joubert syndrome; Meckel-Gruber syndrome; Nephronophthisis. Last evaluated: 2022-05-24. Review status: criteria provided, single submitter. Criteria: Invitae Variant Classification Sherloc (09022015). Collection method: clinical testing. Allele origin: germline.
Comment: For these reasons, this variant has been classified as Pathogenic. Algorithms developed to predict the effect of sequence changes on RNA splicing suggest that this variant may disrupt the consensus splice site. Disruption of this splice site has been observed in individual(s) with Joubert syndrome and related disorders (PMID: 25097241, 32619255). In at least one individual the data is consistent with being in trans (on the opposite chromosome) from a pathogenic variant. The frequency data for this variant in the population databases is considered unreliable, as metrics indicate poor data quality at this position in the gnomAD database. This sequence change affects an acceptor splice site in intron 24 of the CEP290 gene. It is expected to disrupt RNA splicing. Variants that disrupt the donor or acceptor splice site typically lead to a loss of protein function (PMID: 16199547), and loss-of-function variants in CEP290 are known to be pathogenic (PMID: 16909394, 17345604, 20690115).

Literature cited by the submitters: PubMed 25097241 (cited by Labcorp Genetics (formerly Invitae), Labcorp); PubMed 32619255 (cited by Labcorp Genetics (formerly Invitae), Labcorp); PubMed 16199547 (cited by Labcorp Genetics (formerly Invitae), Labcorp); PubMed 16909394 (cited by Labcorp Genetics (formerly Invitae), Labcorp); PubMed 17345604 (cited by Labcorp Genetics (formerly Invitae), Labcorp); PubMed 20690115 (cited by Labcorp Genetics (formerly Invitae), Labcorp).